The following is an entry in ClinVar:

ClinVar aggregate classification (germline): Uncertain significance (1 of 4 stars; one submission).

Conditions:
Adams-Oliver syndrome 5 (AOS5). Identifiers: Orphanet 974, MedGen C4014970, MONDO:0014459, OMIM 616028.

gnomAD v4.1: 4 of 1,609,504 alleles (0.00025%); highest among the groups gnomAD compares: Non-Finnish European, 0.00034%; no homozygotes.

Submission:

Labcorp Genetics (formerly Invitae), Labcorp
Classification: Uncertain significance for Adams-Oliver syndrome 5. Last evaluated: 2024-11-03. Review status: criteria provided, single submitter. Criteria: Invitae Variant Classification Sherloc (09022015). Collection method: clinical testing. Allele origin: germline.
Comment: This sequence change replaces glutamic acid, which is acidic and polar, with lysine, which is basic and polar, at codon 2534 of the NOTCH1 protein (p.Glu2534Lys). This variant is not present in population databases (gnomAD no frequency). This variant has not been reported in the literature in individuals affected with NOTCH1-related conditions. Invitae Evidence Modeling of protein sequence and biophysical properties (such as structural, functional, and spatial information, amino acid conservation, physicochemical variation, residue mobility, and thermodynamic stability) indicates that this missense variant is not expected to disrupt NOTCH1 protein function with a negative predictive value of 95%. In summary, the available evidence is currently insufficient to determine the role of this variant in disease. Therefore, it has been classified as a Variant of Uncertain Significance.

NM_017617.5(NOTCH1):c.7600G>A (p.Glu2534Lys)

Gene: NOTCH1 (notch receptor 1; minus strand). Cytogenetic location: 9q34.3.
Variant type: single nucleotide variant.
Coding change: c.7600G>A on transcript NM_017617.5 (MANE Select); coding-DNA position 7600, G replaced by A.
Protein change: p.Glu2534Lys; replaces glutamic acid 2534 with lysine.
Molecular consequence: missense variant.
Genome position (GRCh38, 1-based): chr9:136,496,139, C>T on the plus strand (G>A on the coding strand, the complement: NOTCH1 is on the minus strand). VCF-style: chr9-136496139-C-T. GRCh37 (hg19) VCF-style: chr9-139390591-C-T.
Other names: short protein forms E2534K.
Identifiers: ClinVar variation 3693345 (VCV003693345.2).